The following is an entry in ClinVar:

NC_000008.10:g.(?_124515613)_(126379127_?)dup

Genes: ANXA13 (annexin A13; minus strand), FAM91A1 (family with sequence similarity 91 member A1; plus strand), FBXO32 (F-box protein 32; minus strand), FER1L6 (fer-1 like family member 6; plus strand), KLHL38 (kelch like family member 38; minus strand) and 10 more. Cytogenetic location: 8q24.13.
Variant type: Duplication.
Identifiers: ClinVar variation 2427513 (VCV002427513.3).

ClinVar aggregate classification (germline): Uncertain significance (1 of 4 stars; one submission).

Submission:

Labcorp Genetics (formerly Invitae), Labcorp
Classification: Uncertain significance. Last evaluated: 2022-01-26. Review status: criteria provided, single submitter. Criteria: Invitae Variant Classification Sherloc (09022015). Collection method: clinical testing. Allele origin: germline.
Comment: A copy number gain of the genomic region encompassing the full coding sequence of the NSMCE2 gene has been identified. The boundaries of this event are unknown as they extend beyond the assayed region for this gene and therefore may encompass additional genes. As the precise location of this event is unknown, it may be in tandem or it may be located elsewhere in the genome. This variant has not been reported in the literature in individuals affected with NSMCE2-related conditions. Experimental studies and prediction algorithms are not available or were not evaluated, and the functional significance of this variant is currently unknown. In summary, the available evidence is currently insufficient to determine the role of this variant in disease. Therefore, it has been classified as a Variant of Uncertain Significance.